The following is an entry in ClinVar:

NM_002582.4(PARN):c.1337A>G (p.His446Arg)

Gene: PARN (poly(A)-specific ribonuclease; minus strand). Cytogenetic location: 16p13.12.
Variant type: single nucleotide variant.
Coding change: c.1337A>G on transcript NM_002582.4 (MANE Select); coding-DNA position 1337, A replaced by G.
Protein change: p.His446Arg; replaces histidine 446 with arginine.
Molecular consequence: missense variant.
Genome position (GRCh38, 1-based): chr16:14,554,133, T>C on the plus strand (A>G on the coding strand, the complement: PARN is on the minus strand). VCF-style: chr16-14554133-T-C. GRCh37 (hg19) VCF-style: chr16-14647990-T-C.
Other names: c.1154A>G, p.His385Arg (NM_001134477.3); c.1199A>G, p.His400Arg (NM_001242992.2); short protein forms H385R, H400R, H446R.
Identifiers: ClinVar variation 3763253 (VCV003763253.2).

ClinVar aggregate classification (germline): Uncertain significance (1 of 4 stars; one submission).

Conditions:
Dyskeratosis congenita, autosomal recessive 6 (DKCB6). Identifiers: MedGen C4225356, MONDO:0014600, OMIM 616353.
Pulmonary fibrosis and/or bone marrow failure, Telomere-related, 4. Also called: PULMONARY FIBROSIS AND/OR BONE MARROW FAILURE SYNDROME, TELOMERE-RELATED, 4. Identifiers: Orphanet 2032, MedGen C4225347, MONDO:0014612, OMIM 616371.

Submission:

Labcorp Genetics (formerly Invitae), Labcorp
Classification: Uncertain significance for Dyskeratosis congenita, autosomal recessive 6; Pulmonary fibrosis and/or bone marrow failure, Telomere-related, 4. Last evaluated: 2024-11-10. Review status: criteria provided, single submitter. Criteria: Invitae Variant Classification Sherloc (09022015). Collection method: clinical testing. Allele origin: germline.
Comment: This sequence change replaces histidine, which is basic and polar, with arginine, which is basic and polar, at codon 446 of the PARN protein (p.His446Arg). This variant is not present in population databases (gnomAD no frequency). This variant has not been reported in the literature in individuals affected with PARN-related conditions. Invitae Evidence Modeling of protein sequence and biophysical properties (such as structural, functional, and spatial information, amino acid conservation, physicochemical variation, residue mobility, and thermodynamic stability) indicates that this missense variant is not expected to disrupt PARN protein function with a negative predictive value of 80%. In summary, the available evidence is currently insufficient to determine the role of this variant in disease. Therefore, it has been classified as a Variant of Uncertain Significance.